The following is an entry in ClinVar:

NM_006904.7(PRKDC):c.59C>A (p.Ser20Tyr)

Genes: PRKDC (protein kinase, DNA-activated, catalytic subunit; minus strand), LOC129929030 (ATAC-STARR-seq lymphoblastoid silent region 19177; plus strand). Cytogenetic location: 8q11.21.
Variant type: single nucleotide variant.
Coding change: c.59C>A on transcript NM_006904.7 (MANE Select); coding-DNA position 59, C replaced by A.
Protein change: p.Ser20Tyr; replaces serine 20 with tyrosine.
Molecular consequence: missense variant.
Genome position (GRCh38, 1-based): chr8:47,960,068, G>T on the plus strand (C>A on the coding strand, the complement: PRKDC is on the minus strand). VCF-style: chr8-47960068-G-T. GRCh37 (hg19) VCF-style: chr8-48872628-G-T.
Other names: c.59C>A, p.Ser20Tyr (NM_001081640.2); short protein forms S20Y.
Identifiers: ClinVar variation 1750951 (VCV001750951.2), dbSNP rs2551882743, ClinGen allele CA371142954.

ClinVar aggregate classification (germline): Uncertain significance (1 of 4 stars; one submission).

Submission:

Ambry Genetics
Classification: Uncertain significance. Last evaluated: 2021-08-15. Review status: criteria provided, single submitter. Criteria: Ambry Variant Classification Scheme 2023. Collection method: clinical testing. Allele origin: germline.
Comment: The p.S20Y variant (also known as c.59C>A), located in coding exon 1 of the PRKDC gene, results from a C to A substitution at nucleotide position 59. The serine at codon 20 is replaced by tyrosine, an amino acid with dissimilar properties. This amino acid position is conserved. In addition, this alteration is predicted to be tolerated by in silico analysis. Since supporting evidence is limited at this time, the clinical significance of this alteration remains unclear.